The following is an entry in ClinVar:

NM_003036.4(SKI):c.2011C>G (p.Gln671Glu)

Gene: SKI (SKI proto-oncogene; plus strand). Cytogenetic location: 1p36.32.
Variant type: single nucleotide variant.
Coding change: c.2011C>G on transcript NM_003036.4 (MANE Select); coding-DNA position 2011, C replaced by G.
Protein change: p.Gln671Glu; replaces glutamine 671 with glutamic acid.
Molecular consequence: missense variant.
Genome position (GRCh38, 1-based): chr1:2,306,589, C>G. VCF-style: chr1-2306589-C-G. GRCh37 (hg19) VCF-style: chr1-2238028-C-G.
Other names: short protein forms Q671E.
Identifiers: ClinVar variation 2074811 (VCV002074811.4), dbSNP rs2521521408, ClinGen allele CA337959519.

ClinVar aggregate classification (germline): Uncertain significance (1 of 4 stars; one submission).

Conditions:
Shprintzen-Goldberg syndrome (SGS). Also called: Marfanoid disorder with craniosynostosis type 1; Marfanoid craniosynostosis syndrome; Shprintzen-Goldberg marfanoid syndrome; SHPRINTZEN-GOLDBERG CRANIOSYNOSTOSIS SYNDROME; CRANIOSYNOSTOSIS WITH ARACHNODACTYLY AND ABDOMINAL HERNIAS. Identifiers: Orphanet 2462, MedGen C1321551, MONDO:0008426, OMIM 182212.

Submission:

Labcorp Genetics (formerly Invitae), Labcorp
Classification: Uncertain significance for Shprintzen-Goldberg syndrome. Last evaluated: 2024-09-03. Review status: criteria provided, single submitter. Criteria: Invitae Variant Classification Sherloc (09022015). Collection method: clinical testing. Allele origin: germline.
Comment: This sequence change replaces glutamine, which is neutral and polar, with glutamic acid, which is acidic and polar, at codon 671 of the SKI protein (p.Gln671Glu). This variant is not present in population databases (gnomAD no frequency). This variant has not been reported in the literature in individuals affected with SKI-related conditions. ClinVar contains an entry for this variant (Variation ID: 2074811). Invitae Evidence Modeling of protein sequence and biophysical properties (such as structural, functional, and spatial information, amino acid conservation, physicochemical variation, residue mobility, and thermodynamic stability) has been performed for this missense variant. However, the output from this modeling did not meet the statistical confidence thresholds required to predict the impact of this variant on SKI protein function. In summary, the available evidence is currently insufficient to determine the role of this variant in disease. Therefore, it has been classified as a Variant of Uncertain Significance.